The following is an entry in ClinVar:

NM_020821.3(VPS13C):c.3298G>A (p.Glu1100Lys)

Gene: VPS13C (vacuolar protein sorting 13 homolog C; minus strand). Cytogenetic location: 15q22.2.
Variant type: single nucleotide variant.
Coding change: c.3298G>A on transcript NM_020821.3 (MANE Select); coding-DNA position 3298, G replaced by A.
Protein change: p.Glu1100Lys; replaces glutamic acid 1100 with lysine.
Molecular consequence: missense variant.
Genome position (GRCh38, 1-based): chr15:61,963,868, C>T on the plus strand (G>A on the coding strand, the complement: VPS13C is on the minus strand). VCF-style: chr15-61963868-C-T. GRCh37 (hg19) VCF-style: chr15-62256067-C-T.
Other names: c.3169G>A, p.Glu1057Lys (NM_017684.5, NM_018080.4); c.3298G>A, p.Glu1100Lys (NM_001018088.3); short protein forms E1057K, E1100K.
Identifiers: ClinVar variation 3389332 (VCV003389332.14).
Genomic context (GRCh38, chr15:61,963,868, plus strand): 5'-AATTTTCAATGCCGTGTGAACTTTTACCTTGAATCTTGATTTCGGCGATATTGTTCTTTT[C>T]GTTGCAAACAATGACACAGAAAGCATTCAACTTGGCAAATAGCCTGAAATCAATAATGTC-3'
Protein context (NP_065872.1, residues 1090-1110): LNAFCVIVCN[Glu1100Lys]KNNIAEIKIQ

ClinVar aggregate classification (germline): Uncertain significance (1 of 4 stars; one submission).

Submission:

CeGaT Center for Human Genetics Tuebingen
Classification: Uncertain significance. Last evaluated: 2024-09-01. Review status: criteria provided, single submitter. Criteria: CeGaT Center For Human Genetics Tuebingen Variant Classification Criteria Version 2. Collection method: clinical testing. Allele origin: germline. Affected: yes. Observed: 1 variant allele.
Comment: VPS13C: PM2